The following is an entry in ClinVar:

ClinVar aggregate classification (germline): Uncertain significance. Review status: criteria provided, multiple submitters, no conflicts (2 of 4 stars). 2 submissions from 2 submitters: Uncertain significance (2). Last evaluated 2024-08-08.

Conditions:
Congenital contractural arachnodactyly (CCA). Also called: Beals-Hecht syndrome; BEALS SYNDROME; Arthrogryposis, distal, type 9. Identifiers: Orphanet 115, MedGen C0220668, MONDO:0007363, OMIM 121050.

Allele frequency attached by ClinVar (database versions not stated): gnomAD exomes below 0.00001 and 0.00001; TOPMed below 0.00001; gnomAD 0.00001.
gnomAD v4.1: 17 of 1,613,328 alleles (0.0011%); highest among the groups gnomAD compares: African/African-American, 0.0013%; no homozygotes.

Submissions (2):

Labcorp Genetics (formerly Invitae), Labcorp
Classification: Uncertain significance for Congenital contractural arachnodactyly. Last evaluated: 2024-08-08. Review status: criteria provided, single submitter. Criteria: Invitae Variant Classification Sherloc (09022015). Collection method: clinical testing. Allele origin: germline.
Comment: This sequence change replaces asparagine, which is neutral and polar, with aspartic acid, which is acidic and polar, at codon 1992 of the FBN2 protein (p.Asn1992Asp). This variant is present in population databases (no rsID available, gnomAD 0.0009%). This variant has not been reported in the literature in individuals affected with FBN2-related conditions. ClinVar contains an entry for this variant (Variation ID: 1331048). Advanced modeling of protein sequence and biophysical properties (such as structural, functional, and spatial information, amino acid conservation, physicochemical variation, residue mobility, and thermodynamic stability) has been performed at Invitae for this missense variant, however the output from this modeling did not meet the statistical confidence thresholds required to predict the impact of this variant on FBN2 protein function. In summary, the available evidence is currently insufficient to determine the role of this variant in disease. Therefore, it has been classified as a Variant of Uncertain Significance.

ARUP Laboratories, Molecular Genetics and Genomics, ARUP Laboratories
Classification: Uncertain significance. Last evaluated: 2021-10-23. Review status: criteria provided, single submitter. Criteria: ARUP Molecular Germline Variant Investigation Process 2021. Collection method: clinical testing. Allele origin: germline.
Comment: The FBN2 c.5974A>G; p.Asn1992Asp variant (rs1437992406), to our knowledge, is not reported in the medical literature or gene specific databases. This variant is only observed on one allele in the Genome Aggregation Database, indicating it is not a common polymorphism. The asparagine at codon 1992 is moderately conserved, occurs in the consensus cbEGF domain (Robinson 2000) and computational analyses predict that this variant is deleterious (REVEL: 0.829). Due to limited information, the clinical significance of the p.Asn1992Asp variant is uncertain at this time. References: Robinson PN and Godfrey M. The molecular genetics of Marfan syndrome and related microfibrillopathies. J Med Genet. 2000 Jan;37(1):9-25. PMID: 10633129.

NM_001999.4(FBN2):c.5974A>G (p.Asn1992Asp)

Gene: FBN2 (fibrillin 2; minus strand). Cytogenetic location: 5q23.3.
Variant type: single nucleotide variant.
Coding change: c.5974A>G on transcript NM_001999.4 (MANE Select); coding-DNA position 5974, A replaced by G.
Protein change: p.Asn1992Asp; replaces asparagine 1992 with aspartic acid.
Molecular consequence: missense variant.
Genome position (GRCh38, 1-based): chr5:128,301,454, T>C on the plus strand (A>G on the coding strand, the complement: FBN2 is on the minus strand). VCF-style: chr5-128301454-T-C. GRCh37 (hg19) VCF-style: chr5-127637146-T-C.
Other names: short protein forms N1992D.
Identifiers: ClinVar variation 1331048 (VCV001331048.10), dbSNP rs1437992406, ClinGen allele CA360766800.